The following is an entry in ClinVar:

ClinVar aggregate classification (germline): Benign. Review status: criteria provided, multiple submitters, no conflicts (2 of 4 stars). 2 submissions from 2 submitters: Benign (2). Last evaluated 2018-06-14.

Allele frequency attached by ClinVar (database versions not stated): gnomAD exomes 0.03062 and 0.04811; ExAC 0.05614; gnomAD 0.11637 and 0.12205; ESP Exome Variant Server 0.12510; TOPMed 0.12702; 1000 Genomes Project 0.12979; 1000 Genomes Project 30x 0.13679.
gnomAD v4.1: 63,094 of 1,610,468 alleles (3.9%); highest among the groups gnomAD compares: African/African-American, 36%; 5,606 homozygotes.

Submissions (2):

GeneDx
Classification: Benign. Last evaluated: 2018-06-14. Review status: criteria provided, single submitter. Criteria: GeneDx Variant Classification (06012015). Collection method: clinical testing. Allele origin: germline. Affected: yes.
Comment: This variant is considered likely benign or benign based on one or more of the following criteria: it is a conservative change, it occurs at a poorly conserved position in the protein, it is predicted to be benign by multiple in silico algorithms, and/or has population frequency not consistent with disease.

Breakthrough Genomics
Classification: Benign. Review status: criteria provided, single submitter. Criteria: ACMG Guidelines, 2015. Collection method: not provided. Allele origin: germline. Inheritance: Autosomal dominant inheritance. Affected: yes.

NM_000088.4(COL1A1):c.697-30A>G

Genes: COL1A1 (collagen type I alpha 1 chain; minus strand), LOC126862586 (CDK7 strongly-dependent group 2 enhancer GRCh37_chr17:48273702-48274901; plus strand). Cytogenetic location: 17q21.33.
Variant type: single nucleotide variant.
Coding change: c.697-30A>G on transcript NM_000088.4 (MANE Select); 30 bases into the intron before coding-DNA position 697, A replaced by G.
Molecular consequence: intron variant.
Genome position (GRCh38, 1-based): chr17:50,197,263, T>C on the plus strand (A>G on the coding strand, the complement: COL1A1 is on the minus strand). VCF-style: chr17-50197263-T-C. GRCh37 (hg19) VCF-style: chr17-48274624-T-C.
Identifiers: ClinVar variation 675133 (VCV000675133.2), dbSNP rs11079898, ClinGen allele CA8645585.